The following is an entry in ClinVar:

NM_000179.3(MSH6):c.3439-19T>C

Gene: MSH6 (mutS homolog 6; plus strand). Cytogenetic location: 2p16.3.
Variant type: single nucleotide variant.
Coding change: c.3439-19T>C on transcript NM_000179.3 (MANE Select); 19 bases into the intron before coding-DNA position 3439, T replaced by C.
Molecular consequence: intron variant.
Genome position (GRCh38, 1-based): chr2:47,804,891, T>C. VCF-style: chr2-47804891-T-C. GRCh37 (hg19) VCF-style: chr2-48032030-T-C.
Other names: c.3439-19T>C (NM_001406809.1, NM_001406796.1, NM_001406808.1 and 1 more transcripts); c.2533-19T>C (NM_001406811.1, NM_001406814.1, NM_001281493.2 and 6 more transcripts); c.3142-19T>C (NM_001406805.1, NM_001406797.1, NM_001406801.1 and 10 more transcripts); c.3535-19T>C (NM_001406795.1, NM_001406802.1); c.3445-19T>C (NM_001406813.1); c.2914-19T>C (NM_001406807.1, NM_001406799.1, NM_001406806.1); c.3265-19T>C (NM_001406798.1); c.2575-19T>C (NM_001406803.1); and 7 more.
Identifiers: ClinVar variation 3903864 (VCV003903864.1).
Genomic context (GRCh38, chr2:47,804,891, plus strand): 5'-TAAGGGTTCATAAGAAAGACAAAAGTTTATGAAACTGTTACTACCAGTCATAAAAGACCT[T>C]TTCCTCCCTCATTCACAGGCTGGCTTATTAGCTGTAATGGCCCAGATGGGTTGTTACGTC-3'

ClinVar aggregate classification (germline): Likely benign (1 of 4 stars; one submission).

Conditions:
Lynch syndrome 5 (LYNCH5). Also called: Colorectal cancer, hereditary nonpolyposis, type 5; Hereditary non-polyposis colorectal cancer, type 5. Identifiers: Orphanet 144, MedGen C1833477, MONDO:0013710, OMIM 614350. Disease mechanism: loss of function.

gnomAD v4.1: 1 of 1,590,064 alleles (0.000063%); highest among the groups gnomAD compares: Non-Finnish European, 0.000086%; no homozygotes.

Submission:

Myriad Genetics, Inc.
Classification: Likely benign for Lynch syndrome 5. Last evaluated: 2025-01-06. Review status: criteria provided, single submitter. Criteria: Myriad Autosomal Dominant, Autosomal Recessive and X-Linked Classification Criteria (2023). Collection method: clinical testing. Allele origin: unknown.
Comment: This variant is considered likely benign. This variant is intronic and is not expected to impact mRNA splicing.